The following is an entry in ClinVar:

ClinVar aggregate classification (germline): Conflicting classifications of pathogenicity. Review status: criteria provided, conflicting classifications (1 of 4 stars). 2 submissions from 2 submitters: Uncertain significance (1); Likely benign (1). Last evaluated 2024-05-29.

Conditions:
Inborn genetic diseases. Identifiers: MedGen C0950123, MeSH D030342.
Developmental and epileptic encephalopathy, 54. Also called: HNRNPU-Related Neurodevelopmental Disorder; Epileptic encephalopathy, early infantile, 54. Identifiers: MedGen C4479319, MONDO:0033363, OMIM 617391.

Allele frequency attached by ClinVar (database versions not stated): gnomAD 0.00001; gnomAD exomes 0.00001; ExAC 0.00008; 1000 Genomes Project 30x 0.00016; 1000 Genomes Project 0.00020.
gnomAD v4.1: 17 of 1,614,134 alleles (0.0011%); highest among the groups gnomAD compares: Non-Finnish European, 0.0014%; no homozygotes.

Submissions (2):

Labcorp Genetics (formerly Invitae), Labcorp
Classification: Uncertain significance for Developmental and epileptic encephalopathy, 54. Last evaluated: 2024-05-29. Review status: criteria provided, single submitter. Criteria: Invitae Variant Classification Sherloc (09022015). Collection method: clinical testing. Allele origin: germline.
Comment: This sequence change replaces valine, which is neutral and non-polar, with isoleucine, which is neutral and non-polar, at codon 604 of the HNRNPU protein (p.Val604Ile). This variant is present in population databases (rs143798359, gnomAD 0.009%). This variant has not been reported in the literature in individuals affected with HNRNPU-related conditions. ClinVar contains an entry for this variant (Variation ID: 2405113). Advanced modeling of protein sequence and biophysical properties (such as structural, functional, and spatial information, amino acid conservation, physicochemical variation, residue mobility, and thermodynamic stability) performed at Invitae indicates that this missense variant is not expected to disrupt HNRNPU protein function with a negative predictive value of 80%. In summary, the available evidence is currently insufficient to determine the role of this variant in disease. Therefore, it has been classified as a Variant of Uncertain Significance.

Ambry Genetics
Classification: Likely benign for Inborn genetic diseases. Last evaluated: 2022-11-18. Review status: criteria provided, single submitter. Criteria: Ambry Variant Classification Scheme 2023. Collection method: clinical testing. Allele origin: germline.

NM_031844.3(HNRNPU):c.1810G>A (p.Val604Ile)

Gene: HNRNPU (heterogeneous nuclear ribonucleoprotein U; minus strand). Cytogenetic location: 1q44.
Variant type: single nucleotide variant.
Coding change: c.1810G>A on transcript NM_031844.3 (MANE Select); coding-DNA position 1810, G replaced by A.
Protein change: p.Val604Ile; replaces valine 604 with isoleucine.
Molecular consequence: missense variant.
Genome position (GRCh38, 1-based): chr1:244,856,559, C>T on the plus strand (G>A on the coding strand, the complement: HNRNPU is on the minus strand). VCF-style: chr1-244856559-C-T. GRCh37 (hg19) VCF-style: chr1-245019861-C-T.
Other names: c.1753G>A, p.Val585Ile (NM_004501.3); short protein forms V585I, V604I.
Identifiers: ClinVar variation 2405113 (VCV002405113.4), dbSNP rs143798359, ClinGen allele CA1486374.